The following is an entry in ClinVar:

ClinVar aggregate classification (germline): Uncertain significance (1 of 4 stars; one submission).

Conditions:
Mitochondrial complex II deficiency, nuclear type 1. Also called: SUCCINATE CoQ REDUCTASE DEFICIENCY. Identifiers: Orphanet 3208, MedGen C5700310, MONDO:0100294, OMIM 252011.
Pheochromocytoma/paraganglioma syndrome 5. Also called: Paragangliomas 5; SDHA-Related Hereditary Paraganglioma-Pheochromocytoma Syndrome. Identifiers: Orphanet 29072, MedGen C3279992, MONDO:0013602, OMIM 614165.

Submission:

Labcorp Genetics (formerly Invitae), Labcorp
Classification: Uncertain significance for Pheochromocytoma/paraganglioma syndrome 5; Mitochondrial complex II deficiency, nuclear type 1. Last evaluated: 2024-04-16. Review status: criteria provided, single submitter. Criteria: Invitae Variant Classification Sherloc (09022015). Collection method: clinical testing. Allele origin: germline.
Comment: This sequence change replaces proline, which is neutral and non-polar, with threonine, which is neutral and polar, at codon 658 of the SDHA protein (p.Pro658Thr). This variant is not present in population databases (gnomAD no frequency). This variant has not been reported in the literature in individuals affected with SDHA-related conditions. ClinVar contains an entry for this variant (Variation ID: 1464020). Advanced modeling of protein sequence and biophysical properties (such as structural, functional, and spatial information, amino acid conservation, physicochemical variation, residue mobility, and thermodynamic stability) performed at Invitae indicates that this missense variant is not expected to disrupt SDHA protein function with a negative predictive value of 95%. In summary, the available evidence is currently insufficient to determine the role of this variant in disease. Therefore, it has been classified as a Variant of Uncertain Significance.

NM_004168.4(SDHA):c.1972C>A (p.Pro658Thr)

Gene: SDHA (succinate dehydrogenase complex flavoprotein subunit A; plus strand). Cytogenetic location: 5p15.33.
Variant type: single nucleotide variant.
Coding change: c.1972C>A on transcript NM_004168.4 (MANE Select); coding-DNA position 1972, C replaced by A.
Protein change: p.Pro658Thr; replaces proline 658 with threonine.
Molecular consequence: missense variant.
Genome position (GRCh38, 1-based): chr5:256,397, C>A. VCF-style: chr5-256397-C-A. GRCh37 (hg19) VCF-style: chr5-256512-C-A.
Other names: c.1828C>A, p.Pro610Thr (NM_001294332.2); c.1729C>A, p.Pro577Thr (NM_001330758.2); short protein forms P577T, P658T, P610T.
Identifiers: ClinVar variation 1464020 (VCV001464020.8), dbSNP rs2126646066, ClinGen allele CA359003085.